The following is an entry in ClinVar:

ClinVar aggregate classification (germline): Likely pathogenic (1 of 4 stars; one submission).

Conditions:
Hereditary cancer-predisposing syndrome. Also called: Neoplastic Syndromes, Hereditary; Tumor predisposition; Hereditary Cancer Syndrome; Hereditary neoplastic syndrome. Identifiers: Orphanet 140162, MedGen C0027672, MeSH D009386, MONDO:0015356.

Submission:

Ambry Genetics
Classification: Likely pathogenic for Hereditary cancer-predisposing syndrome. Last evaluated: 2016-10-10. Review status: criteria provided, single submitter. Criteria: Ambry Variant Classification Scheme 2023. Collection method: clinical testing. Allele origin: germline.
Comment: The c.1926+2T>C intronic variant results from a T to C substitution two nucleotides after coding exon 16 in the MRE11A gene. This variant was not reported in population based cohorts in the following databases: Database of Single Nucleotide Polymorphisms (dbSNP), NHLBI Exome Sequencing Project (ESP), and 1000 Genomes Project. In the ESP, this variant was not observed in 6493 samples (12986 alleles) with coverage at this position. To date, this alteration has been detected with an allele frequency of approximately 0.001% (greater than 175000 alleles tested) in our clinical cohort. This nucleotide position is highly conserved in available vertebrate species. Using two different splice site prediction tools, this alteration is predicted by BDGP to abolish the native splice donor site, but is predicted to weaken (but not abolish) the efficiency of the native splice donor site by ESEfinder; however, direct evidence is unavailable. Alterations that disrupt the canonical splice site are expected to cause aberrant splicing, resulting in an abnormal protein or a transcript that is subject to nonsense-mediated mRNA decay. As such, this alteration is classified as likely pathogenic.

NM_005591.4(MRE11):c.1926+2T>C

Gene: MRE11 (MRE11 double strand break repair nuclease; minus strand). Cytogenetic location: 11q21.
Variant type: single nucleotide variant.
Coding change: c.1926+2T>C on transcript NM_005591.4 (MANE Select); the canonical splice donor site of the intron after coding-DNA position 1926, T replaced by C.
Molecular consequence: splice donor variant.
Genome position (GRCh38, 1-based): chr11:94,437,175, A>G on the plus strand (T>C on the coding strand, the complement: MRE11 is on the minus strand). VCF-style: chr11-94437175-A-G. GRCh37 (hg19) VCF-style: chr11-94170341-A-G.
Other names: c.1923+2T>C (NM_001330347.2); c.1842+2T>C (NM_005590.4).
Identifiers: ClinVar variation 481767 (VCV000481767.5), dbSNP rs1555002390, ClinGen allele CA382374564.
Genomic context (GRCh38, chr11:94,437,175, plus strand): 5'-GACAATTCATAATGCAGAAAACATAAATTATTAATACACAACCATAAAACTTTTTTTCTT[A>G]CCTCTGAATAATTCTTAGTAGTGACATTTCGGGAAGGCTGCTGTCTTGTAGATTTAAAGG-3'